The following is an entry in ClinVar:

NM_012275.3(IL36RN):c.304C>T (p.Arg102Trp)

Gene: IL36RN (interleukin 36 receptor antagonist; plus strand). Cytogenetic location: 2q14.1.
Variant type: single nucleotide variant.
Coding change: c.304C>T on transcript NM_012275.3 (MANE Select); coding-DNA position 304, C replaced by T.
Protein change: p.Arg102Trp; replaces arginine 102 with tryptophan.
Molecular consequence: missense variant.
Genome position (GRCh38, 1-based): chr2:113,062,513, C>T. VCF-style: chr2-113062513-C-T. GRCh37 (hg19) VCF-style: chr2-113820090-C-T.
Other names: c.304C>T, p.Arg102Trp (NM_173170.1); short protein forms R102W.
Identifiers: ClinVar variation 160374 (VCV000160374.41), dbSNP rs199932303, ClinGen allele CA173983.

ClinVar aggregate classification (germline): Uncertain significance. Review status: criteria provided, multiple submitters, no conflicts (2 of 4 stars). 4 submissions from 4 submitters: Uncertain significance (3). 1 of the submissions does not count toward it. Last evaluated 2025-10-10.

Conditions:
Acrodermatitis continua suppurativa of Hallopeau (PSORS14). Also called: INTERLEUKIN 36 RECEPTOR ANTAGONIST DEFICIENCY; Psoriasis 14, pustular; ACRODERMATITIS CONTINUA OF HALLOPEAU. Identifiers: Orphanet 163931, MedGen C0392439, MONDO:0013626, OMIM 614204.

Allele frequency attached by ClinVar (database versions not stated): gnomAD 0.00001 and 0.00002; ExAC 0.00002; gnomAD exomes 0.00002; TOPMed 0.00002; 1000 Genomes Project 30x 0.00016; 1000 Genomes Project 0.00020.

Submissions (4):

Women's Health and Genetics/Laboratory Corporation of America, LabCorp
Classification: Uncertain significance. Last evaluated: 2025-10-10. Review status: criteria provided, single submitter. Criteria: LabCorp Variant Classification Summary - May 2015. Collection method: clinical testing. Allele origin: germline.
Comment: Variant summary: IL36RN c.304C>T (p.Arg102Trp) results in a non-conservative amino acid change in the encoded protein sequence. Algorithms developed to predict the effect of missense changes on protein structure and function are either unavailable or do not agree on the potential impact of this missense change. The variant allele was found at a frequency of 2e-05 in 251048 control chromosomes (gnomAD). The available data on variant occurrences in the general population are insufficient to allow any conclusion about variant significance. c.304C>T has been observed in individuals affected with Generalized pustular psoriasis (Setta-Kaffetzi_2013, Mssner_2018, Trai_2022, Zhang_2023). These data do not allow any conclusion about variant significance. At least two publications report experimental evidence evaluating an impact on protein function and this variant affected the IL36RN protein function (Tauber_2016, Hassi_2023). The following publications have been ascertained in the context of this evaluation (PMID: 37414245, 28887889, 23303454, 27220475, 36331855, 36804966). ClinVar contains an entry for this variant (Variation ID: 160374). Based on the evidence outlined above, the variant was classified as uncertain significance.

CeGaT Center for Human Genetics Tuebingen
Classification: Uncertain significance. Last evaluated: 2022-05-01. Review status: criteria provided, single submitter. Criteria: CeGaT Center For Human Genetics Tuebingen Variant Classification Criteria Version 2. Collection method: clinical testing. Allele origin: germline. Affected: yes. Observed: 1 variant allele.
Comment: IL36RN: PM2, BP4

Fulgent Genetics
Classification: Uncertain significance for Acrodermatitis continua suppurativa of Hallopeau. Last evaluated: 2022-04-28. Review status: criteria provided, single submitter. Criteria: ACMG Guidelines, 2015. Collection method: clinical testing. Allele origin: unknown.

OMIM
Classification: Pathogenic for PSORIASIS 14, PUSTULAR. Last evaluated: 2013-05-01. Review status: no assertion criteria provided. Collection method: literature only. Allele origin: germline. Not counted in ClinVar's aggregate classification.

Literature cited by the submitters: PubMed 37414245 (cited by Women's Health and Genetics/Laboratory Corporation of America, LabCorp); PubMed 28887889 (cited by Women's Health and Genetics/Laboratory Corporation of America, LabCorp); PubMed 23303454 (cited by Women's Health and Genetics/Laboratory Corporation of America, LabCorp and OMIM); PubMed 27220475 (cited by Women's Health and Genetics/Laboratory Corporation of America, LabCorp); PubMed 36331855 (cited by Women's Health and Genetics/Laboratory Corporation of America, LabCorp); PubMed 36804966 (cited by Women's Health and Genetics/Laboratory Corporation of America, LabCorp).